The following is an entry in ClinVar:

NM_005961.3(MUC6):c.2986-8G>A

Gene: MUC6 (mucin 6, oligomeric mucus/gel-forming (gene/pseudogene); minus strand). Cytogenetic location: 11p15.5.
Variant type: single nucleotide variant.
Coding change: c.2986-8G>A on transcript NM_005961.3 (MANE Select); 8 bases into the intron before coding-DNA position 2986, G replaced by A.
Molecular consequence: intron variant.
Genome position (GRCh38, 1-based): chr11:1,025,091, C>T on the plus strand (G>A on the coding strand, the complement: MUC6 is on the minus strand). VCF-style: chr11-1025091-C-T. GRCh37 (hg19) VCF-style: chr11-1025091-C-T.
Identifiers: ClinVar variation 2641111 (VCV002641111.24), dbSNP rs142727563, ClinGen allele CA5796746.
Genomic context (GRCh38, chr11:1,025,091, plus strand): 5'-AAGTCGTCCTTCATGTTCCCGTTGAAGTTGCCACACAAGCCGCAGAGGGGATCCTGCAGA[C>T]GGTGGCATCAGGCCGGGCCCAGGGGCCGTGCCATCTGTCTCCACCCCTGCATCAGGGAGG-3'

ClinVar aggregate classification (germline): Likely benign (1 of 4 stars; one submission).

Allele frequency attached by ClinVar (database versions not stated): 1000 Genomes Project 0.00200; 1000 Genomes Project 30x 0.00234; ESP Exome Variant Server 0.00331; TOPMed 0.00355; gnomAD 0.00406; ExAC 0.00448; gnomAD exomes 0.00546.
gnomAD v4.1: 8,547 of 1,612,860 alleles (0.53%); highest among the groups gnomAD compares: Non-Finnish European, 0.64%; 37 homozygotes.

Submission:

CeGaT Center for Human Genetics Tuebingen
Classification: Likely benign. Last evaluated: 2026-04-01. Review status: criteria provided, single submitter. Criteria: CeGaT Center For Human Genetics Tuebingen Variant Classification Criteria Version 2. Collection method: clinical testing. Allele origin: germline. Affected: yes. Observed: 3 variant alleles.
Comment: MUC6: BP4, BS2